The following is an entry in ClinVar:

NM_004304.5(ALK):c.3068-16G>A

Gene: ALK (ALK receptor tyrosine kinase; minus strand). Cytogenetic location: 2p23.2.
Variant type: single nucleotide variant.
Coding change: c.3068-16G>A on transcript NM_004304.5 (MANE Select); 16 bases into the intron before coding-DNA position 3068, G replaced by A.
Molecular consequence: intron variant.
Genome position (GRCh38, 1-based): chr2:29,225,581, C>T on the plus strand (G>A on the coding strand, the complement: ALK is on the minus strand). VCF-style: chr2-29225581-C-T. GRCh37 (hg19) VCF-style: chr2-29448447-C-T.
Identifiers: ClinVar variation 4725111 (VCV004725111.1).

ClinVar aggregate classification (germline): Uncertain significance (1 of 4 stars; one submission).

Conditions:
Neuroblastoma, susceptibility to, 3. Also called: ALK-Related Neuroblastic Tumor Susceptibility. Identifiers: Orphanet 635, MedGen C2751681, MONDO:0013083, OMIM 613014.

Submission:

Labcorp Genetics (formerly Invitae), Labcorp
Classification: Uncertain significance for Neuroblastoma, susceptibility to, 3. Last evaluated: 2025-08-10. Review status: criteria provided, single submitter. Criteria: Invitae Variant Classification Sherloc (09022015). Collection method: clinical testing. Allele origin: germline.
Comment: This sequence change falls in intron 18 of the ALK gene. It does not directly change the encoded amino acid sequence of the ALK protein. This variant is not present in population databases (gnomAD no frequency). This variant has not been reported in the literature in individuals affected with ALK-related conditions. Algorithms developed to predict the effect of sequence changes on RNA splicing suggest that this variant may disrupt the consensus splice site. In summary, the available evidence is currently insufficient to determine the role of this variant in disease. Therefore, it has been classified as a Variant of Uncertain Significance.